The following is an entry in ClinVar:

ClinVar aggregate classification (germline): Uncertain significance (1 of 4 stars; one submission).

Conditions:
Baller-Gerold syndrome (BGS). Also called: CRANIOSYNOSTOSIS WITH RADIAL DEFECTS. Identifiers: Orphanet 1225, MedGen C0265308, MONDO:0009039, OMIM 218600.

Allele frequency attached by ClinVar (database versions not stated): gnomAD exomes below 0.00001.
gnomAD v4.1: 1 of 1,584,068 alleles (0.000063%); highest among the groups gnomAD compares: Non-Finnish European, 0.000085%; no homozygotes.

Submission:

Labcorp Genetics (formerly Invitae), Labcorp
Classification: Uncertain significance for Baller-Gerold syndrome. Last evaluated: 2024-10-21. Review status: criteria provided, single submitter. Criteria: Invitae Variant Classification Sherloc (09022015). Collection method: clinical testing. Allele origin: germline.
Comment: This sequence change replaces cysteine, which is neutral and slightly polar, with tyrosine, which is neutral and polar, at codon 814 of the RECQL4 protein (p.Cys814Tyr). This variant is not present in population databases (gnomAD no frequency). This variant has not been reported in the literature in individuals affected with RECQL4-related conditions. ClinVar contains an entry for this variant (Variation ID: 1023004). Invitae Evidence Modeling of protein sequence and biophysical properties (such as structural, functional, and spatial information, amino acid conservation, physicochemical variation, residue mobility, and thermodynamic stability) indicates that this missense variant is expected to disrupt RECQL4 protein function with a positive predictive value of 80%. In summary, the available evidence is currently insufficient to determine the role of this variant in disease. Therefore, it has been classified as a Variant of Uncertain Significance.

NM_004260.4(RECQL4):c.2441G>A (p.Cys814Tyr)

Gene: RECQL4 (RecQ like helicase 4; minus strand). Cytogenetic location: 8q24.3.
Variant type: single nucleotide variant.
Coding change: c.2441G>A on transcript NM_004260.4 (MANE Select); coding-DNA position 2441, G replaced by A.
Protein change: p.Cys814Tyr; replaces cysteine 814 with tyrosine.
Molecular consequence: missense variant.
Genome position (GRCh38, 1-based): chr8:144,513,240, C>T on the plus strand (G>A on the coding strand, the complement: RECQL4 is on the minus strand). VCF-style: chr8-144513240-C-T. GRCh37 (hg19) VCF-style: chr8-145738623-C-T.
Other names: short protein forms C814Y.
Identifiers: ClinVar variation 1023004 (VCV001023004.3), dbSNP rs1827598421, ClinGen allele CA372677989.